The following is an entry in ClinVar:

ClinVar aggregate classification (germline): Uncertain significance (1 of 4 stars; one submission).

Conditions:
Dystonic disorder. Also called: Dystonia. Identifiers: MedGen C0013421, MONDO:0003441, HP:0001332.

Submission:

Labcorp Genetics (formerly Invitae), Labcorp
Classification: Uncertain significance for Dystonic disorder. Last evaluated: 2025-12-17. Review status: criteria provided, single submitter. Criteria: Invitae Variant Classification Sherloc (09022015). Collection method: clinical testing. Allele origin: germline.
Comment: This variant, c.58_81dup, results in the insertion of 8 amino acid(s) of the CIZ1 protein (p.Leu20_Gln27dup), but otherwise preserves the integrity of the reading frame. The frequency data for this variant in the population databases is considered unreliable, as metrics indicate poor data quality at this position in the gnomAD database. This variant has not been reported in the literature in individuals affected with CIZ1-related conditions. ClinVar contains an entry for this variant (Variation ID: 455983). Experimental studies and prediction algorithms are not available or were not evaluated, and the functional significance of this variant is currently unknown. In summary, the available evidence is currently insufficient to determine the role of this variant in disease. Therefore, it has been classified as a Variant of Uncertain Significance.

NM_001131016.2(CIZ1):c.58_81dup (p.Leu20_Gln27dup)

Gene: CIZ1 (CDKN1A interacting zinc finger protein 1; minus strand). Cytogenetic location: 9q34.11.
Variant type: Duplication.
Coding change: c.58_81dup on transcript NM_001131016.2 (MANE Select); coding-DNA positions 58 to 81, 24 bases duplicated (TTACAGCAGCAGCAGCTCCAGCAG).
Protein change: p.Leu20_Gln27dup.
Molecular consequence: inframe insertion. On other transcripts: 5 prime UTR variant (1).
Genome position (GRCh38, 1-based): chr9:128,190,777-128,190,800, CTGCTGGAGCTGCTGCTGCTGTAA duplicated on the plus strand (TTACAGCAGCAGCAGCTCCAGCAG on the coding strand, the reverse complement: CIZ1 is on the minus strand); duplicating any 24 consecutive bases within chr9:128,190,777-128,190,822 gives the same sequence; the c. name uses the placement nearest the transcript's 3' end. VCF-style (leftmost placement, unchanged base first): chr9-128190776-G-GCTGCTGGAGCTGCTGCTGCTGTAA. GRCh37 (hg19) VCF-style: chr9-130953055-G-GCTGCTGGAGCTGCTGCTGCTGTAA.
Other names: c.58_81dup, p.Leu20_Gln27dup (NM_001131015.2, NM_001131017.2, NM_001131018.2 and 1 more transcripts); c.148_171dup, p.Leu50_Gln57dup (NM_001257975.2); c.-130_-107dup (NM_001257976.2).
Identifiers: ClinVar variation 455983 (VCV000455983.11), dbSNP rs768712577, ClinGen allele CA5257689.